The following is an entry in ClinVar:

NM_004960.4(FUS):c.13+6T>A

Gene: FUS (FUS RNA binding protein; plus strand). Cytogenetic location: 16p11.2.
Variant type: single nucleotide variant.
Coding change: c.13+6T>A on transcript NM_004960.4 (MANE Select); 6 bases into the intron after coding-DNA position 13, T replaced by A.
Molecular consequence: intron variant.
Genome position (GRCh38, 1-based): chr16:31,180,233, T>A. VCF-style: chr16-31180233-T-A. GRCh37 (hg19) VCF-style: chr16-31191554-T-A.
Other names: c.13+6T>A (NM_001170937.1, NM_001170634.1).
Identifiers: ClinVar variation 4792766 (VCV004792766.1).

ClinVar aggregate classification (germline): Uncertain significance (1 of 4 stars; one submission).

Conditions:
Amyotrophic lateral sclerosis type 6. Also called: FUS-Related Amyotrophic Laterial Sclerosis; AMYOTROPHIC LATERAL SCLEROSIS 6 WITHOUT FRONTOTEMPORAL DEMENTIA; Amyotrophic lateral sclerosis 6, with or without frontotemporal dementia. Identifiers: Orphanet 275872, Orphanet 803, MedGen C2931786, MONDO:0011951, OMIM 608030.
Tremor, hereditary essential, 4 (ETM4). Identifiers: MedGen C3539195, MONDO:0013888, OMIM 614782.

gnomAD v4.1: 4 of 1,610,282 alleles (0.00025%); highest among the groups gnomAD compares: East Asian, 0.0022%; no homozygotes.

Submission:

Labcorp Genetics (formerly Invitae), Labcorp
Classification: Uncertain significance for Tremor, hereditary essential, 4; Amyotrophic lateral sclerosis type 6. Last evaluated: 2025-04-10. Review status: criteria provided, single submitter. Criteria: Invitae Variant Classification Sherloc (09022015). Collection method: clinical testing. Allele origin: germline.
Comment: This sequence change falls in intron 1 of the FUS gene. It does not directly change the encoded amino acid sequence of the FUS protein. It affects a nucleotide within the consensus splice site. This variant is not present in population databases (gnomAD no frequency). This variant has not been reported in the literature in individuals affected with FUS-related conditions. Variants that disrupt the consensus splice site are a relatively common cause of aberrant splicing (PMID: 17576681, 9536098). Algorithms developed to predict the effect of sequence changes on RNA splicing suggest that this variant may disrupt the consensus splice site. In summary, the available evidence is currently insufficient to determine the role of this variant in disease. Therefore, it has been classified as a Variant of Uncertain Significance.

Literature cited by the submitters: PubMed 17576681; PubMed 9536098.